The following is an entry in ClinVar:

NM_058216.3(RAD51C):c.570_571+16del

Gene: RAD51C (RAD51 paralog C; plus strand). Cytogenetic location: 17q22.
Variant type: Deletion.
Coding change: c.570_571+16del on transcript NM_058216.3 (MANE Select); coding-DNA position 570 through 16 bases into the intron after coding-DNA position 571, 18 bases deleted (GGGTAAGTTAGTAAATGA).
Molecular consequence: splice donor variant.
Genome position (GRCh38, 1-based): chr17:58,696,858-58,696,875, GGGTAAGTTAGTAAATGA deleted; deleting any 18 consecutive bases within chr17:58,696,856-58,696,875 gives the same sequence; the c. name uses the placement nearest the transcript's 3' end. VCF-style (leftmost placement, unchanged base first): chr17-58696855-AGAGGGTAAGTTAGTAAAT-A. GRCh37 (hg19) VCF-style: chr17-56774216-AGAGGGTAAGTTAGTAAAT-A.
Identifiers: ClinVar variation 1749171 (VCV001749171.4), dbSNP rs2509283705, ClinGen allele CA2580094435.

ClinVar aggregate classification (germline): Likely pathogenic. Review status: criteria provided, multiple submitters, no conflicts (2 of 4 stars). 3 submissions from 3 submitters: Likely pathogenic (3). Last evaluated 2024-12-12.

Conditions:
Hereditary cancer-predisposing syndrome. Also called: Hereditary Cancer Syndrome; Hereditary neoplastic syndrome; Neoplastic Syndromes, Hereditary; Tumor predisposition. Identifiers: Orphanet 140162, MedGen C0027672, MeSH D009386, MONDO:0015356.
Breast-ovarian cancer, familial, susceptibility to, 3. Also called: RAD51C-Related Breast/Ovarian Cancer. Identifiers: Orphanet 145, MedGen C3150659, MONDO:0013253, OMIM 613399.

Submissions (3):

Ambry Genetics
Classification: Likely pathogenic for Hereditary cancer-predisposing syndrome. Last evaluated: 2024-12-12. Review status: criteria provided, single submitter. Criteria: Ambry Variant Classification Scheme 2023. Collection method: clinical testing. Allele origin: germline.
Comment: The c.570_571+16del18 intronic variant results from a deletion of 18 nucleotides (GGGTAAGTTAGTAAATGA) at position 570 to 571+16 and involves the canonical splice donor site after coding exon 3 of the RAD51C gene. The deleted region is well conserved in available vertebrate species. In silico splice site analysis predicts that this alteration will weaken the native splice donor site. Alterations that disrupt the canonical splice site are expected to cause aberrant splicing, resulting in an abnormal protein or a transcript that is subject to nonsense-mediated mRNA decay. As such, this alteration is classified as likely pathogenic.

Color Diagnostics, LLC DBA Color Health
Classification: Likely pathogenic for Hereditary cancer-predisposing syndrome. Last evaluated: 2024-01-08. Review status: criteria provided, single submitter. Criteria: ACMG Guidelines, 2015. Collection method: clinical testing. Allele origin: germline.
Comment: This variant causes the deletion of 18 nucleotides spanning the exon 3-intron 3 border, abolishing a native splice site of the RAD51C gene. Splice site prediction tools suggest that this variant may have a significant impact on RNA splicing. Although this prediction has not been confirmed in published RNA studies, this variant is expected to result in an absent or disrupted protein product. This variant has not been reported in individuals affected with RAD51C-related disorders in the literature. This variant has not been identified in the general population by the Genome Aggregation Database (gnomAD). Based on the available evidence, this variant is classified as Likely Pathogenic.

Myriad Genetics, Inc.
Classification: Likely pathogenic for Breast-ovarian cancer, familial, susceptibility to, 3. Last evaluated: 2024-01-03. Review status: criteria provided, single submitter. Criteria: Myriad Autosomal Dominant, Autosomal Recessive and X-Linked Classification Criteria (2023). Collection method: clinical testing. Allele origin: unknown.
Comment: This variant is considered likely pathogenic. This variant occurs within a consensus splice junction and is predicted to result in abnormal mRNA splicing of either an out-of-frame exon or an in-frame exon necessary for protein stability and/or normal function.